The following is an entry in ClinVar:

ClinVar aggregate classification (germline): Uncertain significance. Review status: criteria provided, multiple submitters, no conflicts (2 of 4 stars). 2 submissions from 2 submitters: Uncertain significance (2). Last evaluated 2022-09-19.

Allele frequency attached by ClinVar (database versions not stated): gnomAD exomes below 0.00001; TOPMed below 0.00001; gnomAD 0.00001.
gnomAD v4.1: 4 of 1,595,450 alleles (0.00025%); highest among the groups gnomAD compares: East Asian, 0.0023%; no homozygotes.

Submissions (2):

Labcorp Genetics (formerly Invitae), Labcorp
Classification: Uncertain significance. Last evaluated: 2022-09-19. Review status: criteria provided, single submitter. Criteria: Invitae Variant Classification Sherloc (09022015). Collection method: clinical testing. Allele origin: germline.
Comment: ClinVar contains an entry for this variant (Variation ID: 1512831). This variant has not been reported in the literature in individuals affected with HSPG2-related conditions. This variant is not present in population databases (gnomAD no frequency). This sequence change replaces arginine, which is basic and polar, with histidine, which is basic and polar, at codon 660 of the HSPG2 protein (p.Arg660His). Algorithms developed to predict the effect of missense changes on protein structure and function are either unavailable or do not agree on the potential impact of this missense change (SIFT: "Deleterious"; PolyPhen-2: "Probably Damaging"; Align-GVGD: "Class C0"). In summary, the available evidence is currently insufficient to determine the role of this variant in disease. Therefore, it has been classified as a Variant of Uncertain Significance.

Breakthrough Genomics
Classification: Uncertain significance. Review status: criteria provided, single submitter. Criteria: ACMG Guidelines, 2015. Collection method: not provided. Allele origin: germline. Inheritance: Autosomal recessive inheritance. Affected: yes.

NM_005529.7(HSPG2):c.1979G>A (p.Arg660His)

Gene: HSPG2 (heparan sulfate proteoglycan 2; minus strand). Cytogenetic location: 1p36.12.
Variant type: single nucleotide variant.
Coding change: c.1979G>A on transcript NM_005529.7 (MANE Select); coding-DNA position 1979, G replaced by A.
Protein change: p.Arg660His; replaces arginine 660 with histidine.
Molecular consequence: missense variant.
Genome position (GRCh38, 1-based): chr1:21,880,675, C>T on the plus strand (G>A on the coding strand, the complement: HSPG2 is on the minus strand). VCF-style: chr1-21880675-C-T. GRCh37 (hg19) VCF-style: chr1-22207168-C-T.
Other names: c.1982G>A, p.Arg661His (NM_001291860.2); short protein forms R660H, R661H.
Identifiers: ClinVar variation 1512831 (VCV001512831.7), dbSNP rs1401202152, ClinGen allele CA338965868.